The following is an entry in ClinVar:

NM_001385641.1(SAMD11):c.1421_1423del (p.Pro474del)

Gene: SAMD11 (sterile alpha motif domain containing 11; plus strand). Cytogenetic location: 1p36.33.
Variant type: Deletion.
Coding change: c.1421_1423del on transcript NM_001385641.1 (MANE Select); coding-DNA positions 1421 to 1423, 3 bases deleted (CCC; older notation c.1421_1423delCCC).
Protein change: p.Pro474del; deletes proline 474.
Molecular consequence: inframe deletion.
Genome position (GRCh38, 1-based): chr1:942,198-942,200, CCC deleted; deleting any 3 consecutive bases within chr1:942,196-942,200 gives the same sequence; the c. name uses the placement nearest the transcript's 3' end. VCF-style (leftmost placement, unchanged base first): chr1-942195-GCCC-G. GRCh37 (hg19) VCF-style: chr1-877575-GCCC-G.
Other names: c.1424_1426del, p.Pro475del (NM_001385640.1); c.932_934del, p.Pro311del (NM_152486.4); short protein forms P475del, P311del, P474del.
Identifiers: ClinVar variation 1409170 (VCV001409170.6), dbSNP rs1641816267, ClinGen allele CA1148659883.
Genomic context (GRCh38, chr1:942,195, plus strand): 5'-GGGAGCTGCCTCAGCCGCCCCCCTTGCTGTCGCCGCAGAATGCCCCTCACGTCGCCCTGG[GCCC>G]CCATCTCAGGCCCCCCTTCCTGGGGGTGCCCTCGGCTCTGTGCCAGACCCCAGGTGAGGA-3'

ClinVar aggregate classification (germline): Uncertain significance (1 of 4 stars; one submission).

Submission:

Labcorp Genetics (formerly Invitae), Labcorp
Classification: Uncertain significance. Last evaluated: 2025-03-17. Review status: criteria provided, single submitter. Criteria: Invitae Variant Classification Sherloc (09022015). Collection method: clinical testing. Allele origin: germline.
Comment: This variant, c.932_934del, results in the deletion of 1 amino acid(s) of the SAMD11 protein (p.Pro311del), but otherwise preserves the integrity of the reading frame. This variant is not present in population databases (gnomAD no frequency). This variant has not been reported in the literature in individuals affected with SAMD11-related conditions. ClinVar contains an entry for this variant (Variation ID: 1409170). Experimental studies and prediction algorithms are not available or were not evaluated, and the functional significance of this variant is currently unknown. In summary, the available evidence is currently insufficient to determine the role of this variant in disease. Therefore, it has been classified as a Variant of Uncertain Significance.